The following is an entry in ClinVar:

NM_014314.4(RIGI):c.1825C>T (p.Pro609Ser)

Gene: RIGI (RNA sensor RIG-I; minus strand). Cytogenetic location: 9p21.1.
Variant type: single nucleotide variant.
Coding change: c.1825C>T on transcript NM_014314.4 (MANE Select); coding-DNA position 1825, C replaced by T.
Protein change: p.Pro609Ser; replaces proline 609 with serine.
Molecular consequence: missense variant.
Genome position (GRCh38, 1-based): chr9:32,477,081, G>A on the plus strand (C>T on the coding strand, the complement: RIGI is on the minus strand). VCF-style: chr9-32477081-G-A. GRCh37 (hg19) VCF-style: chr9-32477079-G-A.
Other names: c.1825C>T (NM_014314.3); c.1819C>T, p.Pro607Ser (NM_001385907.1); c.1825C>T, p.Pro609Ser (NM_001385909.1); c.1384C>T, p.Pro462Ser (NM_001385910.1); c.1216C>T, p.Pro406Ser (NM_001385912.1); c.1810C>T, p.Pro604Ser (NM_001385913.1); c.1381C>T, p.Pro461Ser (NM_001385914.1); short protein forms P607S, P461S, P462S, P604S, P609S, P406S.
Identifiers: ClinVar variation 2776667 (VCV002776667.4), dbSNP rs1298839859, ClinGen allele CA373149231.

ClinVar aggregate classification (germline): Uncertain significance. Review status: criteria provided, multiple submitters, no conflicts (2 of 4 stars). 2 submissions from 2 submitters: Uncertain significance (2). Last evaluated 2024-10-07.

Conditions:
Inborn genetic diseases. Identifiers: MedGen C0950123, MeSH D030342.

Allele frequency attached by ClinVar (database versions not stated): gnomAD exomes 0.00001.
gnomAD v4.1: 8 of 1,614,080 alleles (0.0005%); highest among the groups gnomAD compares: Admixed American, 0.01%; no homozygotes.

Submissions (2):

Ambry Genetics
Classification: Uncertain significance for Inborn genetic diseases. Last evaluated: 2024-10-07. Review status: criteria provided, single submitter. Criteria: Ambry Variant Classification Scheme 2023. Collection method: clinical testing. Allele origin: germline.

Labcorp Genetics (formerly Invitae), Labcorp
Classification: Uncertain significance. Last evaluated: 2023-05-09. Review status: criteria provided, single submitter. Criteria: Invitae Variant Classification Sherloc (09022015). Collection method: clinical testing. Allele origin: germline.
Comment: This sequence change replaces proline, which is neutral and non-polar, with serine, which is neutral and polar, at codon 609 of the DDX58 protein (p.Pro609Ser). This variant is present in population databases (no rsID available, gnomAD 0.006%). In summary, the available evidence is currently insufficient to determine the role of this variant in disease. Therefore, it has been classified as a Variant of Uncertain Significance. Advanced modeling of protein sequence and biophysical properties (such as structural, functional, and spatial information, amino acid conservation, physicochemical variation, residue mobility, and thermodynamic stability) performed at Invitae indicates that this missense variant is expected to disrupt DDX58 protein function. This variant has not been reported in the literature in individuals affected with DDX58-related conditions.